The following is an entry in ClinVar:

NM_004525.3(LRP2):c.6935C>A (p.Pro2312Gln)

Gene: LRP2 (LDL receptor related protein 2; minus strand). Cytogenetic location: 2q31.1.
Variant type: single nucleotide variant.
Coding change: c.6935C>A on transcript NM_004525.3 (MANE Select); coding-DNA position 6935, C replaced by A.
Protein change: p.Pro2312Gln; replaces proline 2312 with glutamine.
Molecular consequence: missense variant.
Genome position (GRCh38, 1-based): chr2:169,206,785, G>T on the plus strand (C>A on the coding strand, the complement: LRP2 is on the minus strand). VCF-style: chr2-169206785-G-T. GRCh37 (hg19) VCF-style: chr2-170063295-G-T.
Other names: short protein forms P2312Q.
Identifiers: ClinVar variation 1448354 (VCV001448354.7), dbSNP rs113535563, ClinGen allele CA1954197.

ClinVar aggregate classification (germline): Uncertain significance. Review status: criteria provided, multiple submitters, no conflicts (2 of 4 stars). 2 submissions from 2 submitters: Uncertain significance (2). Last evaluated 2024-10-06.

Conditions:
Donnai-Barrow syndrome. Also called: DBS/FOAR SYNDROME; FACIOOCULOACOUSTICORENAL SYNDROME. Identifiers: Orphanet 2143, MedGen C1857277, MONDO:0009104, OMIM 222448.

Allele frequency attached by ClinVar (database versions not stated): gnomAD exomes below 0.00001; ExAC 0.00001.
gnomAD v4.1: 16 of 1,614,128 alleles (0.00099%); highest among the groups gnomAD compares: African/African-American, 0.016%; 1 homozygote.

Submissions (2):

Labcorp Genetics (formerly Invitae), Labcorp
Classification: Uncertain significance. Last evaluated: 2024-10-06. Review status: criteria provided, single submitter. Criteria: Invitae Variant Classification Sherloc (09022015). Collection method: clinical testing. Allele origin: germline.
Comment: This sequence change replaces proline, which is neutral and non-polar, with glutamine, which is neutral and polar, at codon 2312 of the LRP2 protein (p.Pro2312Gln). This variant is present in population databases (rs113535563, gnomAD 0.01%). This variant has not been reported in the literature in individuals affected with LRP2-related conditions. ClinVar contains an entry for this variant (Variation ID: 1448354). Invitae Evidence Modeling of protein sequence and biophysical properties (such as structural, functional, and spatial information, amino acid conservation, physicochemical variation, residue mobility, and thermodynamic stability) indicates that this missense variant is not expected to disrupt LRP2 protein function with a negative predictive value of 95%. In summary, the available evidence is currently insufficient to determine the role of this variant in disease. Therefore, it has been classified as a Variant of Uncertain Significance.

Fulgent Genetics
Classification: Uncertain significance for Donnai-Barrow syndrome. Last evaluated: 2024-04-12. Review status: criteria provided, single submitter. Criteria: ACMG Guidelines, 2015. Collection method: clinical testing. Allele origin: germline.